The following is an entry in ClinVar:

ClinVar aggregate classification (germline): Uncertain significance. Review status: criteria provided, multiple submitters, no conflicts (2 of 4 stars). 2 submissions from 2 submitters: Uncertain significance (2). Last evaluated 2024-08-06.

Conditions:
Tuberous sclerosis syndrome (TSC). Also called: Tuberous sclerosis; Tuberous Sclerosis Complex. Identifiers: Orphanet 805, MedGen C0041341, MONDO:0001734.
Tuberous sclerosis 1 (TSC1). Identifiers: Orphanet 805, MedGen C1854465, MONDO:0008612, OMIM 191100.

Submissions (2):

All of Us Research Program, National Institutes of Health
Classification: Uncertain significance for Tuberous sclerosis syndrome. Last evaluated: 2024-08-06. Review status: criteria provided, single submitter. Criteria: ACMG Guidelines, 2015. Collection method: clinical testing. Allele origin: germline. Inheritance: Autosomal dominant inheritance. Observed: 1 variant allele, 1 heterozygote.
Comment: This study involves interpretation of variants in research participants for the purpose of population health screening. Participant phenotype was not available at the time of variant classification. Additional details can be found in publication PMID: 35346344, PMCID: PMC8962531

Labcorp Genetics (formerly Invitae), Labcorp
Classification: Uncertain significance for Tuberous sclerosis 1. Last evaluated: 2021-09-01. Review status: criteria provided, single submitter. Criteria: Invitae Variant Classification Sherloc (09022015). Collection method: clinical testing. Allele origin: germline.
Comment: This variant has not been reported in the literature in individuals affected with TSC1-related conditions. Algorithms developed to predict the effect of missense changes on protein structure and function are either unavailable or do not agree on the potential impact of this missense change (SIFT: "Deleterious"; PolyPhen-2: "Probably Damaging"; Align-GVGD: "Class C0"). In summary, the available evidence is currently insufficient to determine the role of this variant in disease. Therefore, it has been classified as a Variant of Uncertain Significance. This sequence change replaces leucine with valine at codon 45 of the TSC1 protein (p.Leu45Val). The leucine residue is highly conserved and there is a small physicochemical difference between leucine and valine. This variant is not present in population databases (ExAC no frequency).

NM_000368.5(TSC1):c.133T>G (p.Leu45Val)

Gene: TSC1 (TSC complex subunit 1; minus strand). Cytogenetic location: 9q34.13.
Variant type: single nucleotide variant.
Coding change: c.133T>G on transcript NM_000368.5 (MANE Select); coding-DNA position 133, T replaced by G.
Protein change: p.Leu45Val; replaces leucine 45 with valine.
Molecular consequence: missense variant. On other transcripts: intron variant (1).
Genome position (GRCh38, 1-based): chr9:132,927,278, A>C on the plus strand (T>G on the coding strand, the complement: TSC1 is on the minus strand). VCF-style: chr9-132927278-A-C. GRCh37 (hg19) VCF-style: chr9-135802665-A-C.
Other names: c.133T>G, p.Leu45Val (NM_001162426.2, NM_001162427.2); c.-154+1489T>G (NM_001362177.2); short protein forms L45V.
Identifiers: ClinVar variation 1436327 (VCV001436327.7), dbSNP rs755226092, ClinGen allele CA375375188.